The following is an entry in ClinVar:

NM_012330.4(KAT6B):c.3694A>G (p.Lys1232Glu)

Gene: KAT6B (lysine acetyltransferase 6B; plus strand). Cytogenetic location: 10q22.2.
Variant type: single nucleotide variant.
Coding change: c.3694A>G on transcript NM_012330.4 (MANE Select); coding-DNA position 3694, A replaced by G.
Protein change: p.Lys1232Glu; replaces lysine 1232 with glutamic acid.
Molecular consequence: missense variant.
Genome position (GRCh38, 1-based): chr10:75,028,518, A>G. VCF-style: chr10-75028518-A-G. GRCh37 (hg19) VCF-style: chr10-76788276-A-G.
Other names: c.3145A>G, p.Lys1049Glu (NM_001256468.2, NM_001370138.1); c.2818A>G, p.Lys940Glu (NM_001256469.2, NM_001370139.1, NM_001370140.1 and 2 more transcripts); c.2656A>G, p.Lys886Glu (NM_001370132.1); c.2005A>G, p.Lys669Glu (NM_001370133.1); c.1609A>G, p.Lys537Glu (NM_001370134.1); c.1351A>G, p.Lys451Glu (NM_001370135.1); c.3694A>G, p.Lys1232Glu (NM_001370136.1, NM_001370137.1); c.2629A>G, p.Lys877Glu (NM_001370143.1, NM_001370144.1); short protein forms K1049E, K1232E, K940E, K537E, K877E, K451E, K669E, K886E.
Identifiers: ClinVar variation 1444104 (VCV001444104.8), dbSNP rs762337174, ClinGen allele CA5564884.

ClinVar aggregate classification (germline): Uncertain significance (1 of 4 stars; one submission).

Conditions:
Genitopatellar syndrome (GTPTS). Also called: Genitopatellar syndrome (GPS); ABSENT PATELLAE, SCROTAL HYPOPLASIA, RENAL ANOMALIES, FACIAL DYSMORPHISM, AND MENTAL RETARDATION. Identifiers: Orphanet 85201, MedGen C1853566, MONDO:0011640, OMIM 606170.

Allele frequency attached by ClinVar (database versions not stated): gnomAD exomes below 0.00001; ExAC 0.00001.
gnomAD v4.1: 2 of 1,614,196 alleles (0.00012%); highest among the groups gnomAD compares: Non-Finnish European, 0.00017%; no homozygotes.

Submission:

Labcorp Genetics (formerly Invitae), Labcorp
Classification: Uncertain significance for Genitopatellar syndrome. Last evaluated: 2021-03-10. Review status: criteria provided, single submitter. Criteria: Invitae Variant Classification Sherloc (09022015). Collection method: clinical testing. Allele origin: germline.
Comment: This sequence change replaces lysine with glutamic acid at codon 1232 of the KAT6B protein (p.Lys1232Glu). The lysine residue is weakly conserved and there is a small physicochemical difference between lysine and glutamic acid. This variant is present in population databases (rs762337174, ExAC 0.002%). This variant has not been reported in the literature in individuals with KAT6B-related conditions. Algorithms developed to predict the effect of missense changes on protein structure and function (SIFT, PolyPhen-2, Align-GVGD) all suggest that this variant is likely to be tolerated, but these predictions have not been confirmed by published functional studies and their clinical significance is uncertain. In summary, the available evidence is currently insufficient to determine the role of this variant in disease. Therefore, it has been classified as a Variant of Uncertain Significance.